The following is an entry in ClinVar:

NM_001330288.2(SMARCC2):c.2369C>T (p.Ala790Val)

Gene: SMARCC2 (SWI/SNF related BAF chromatin remodeling complex subunit C2; minus strand). Cytogenetic location: 12q13.2.
Variant type: single nucleotide variant.
Coding change: c.2369C>T on transcript NM_001330288.2 (MANE Select); coding-DNA position 2369, C replaced by T.
Protein change: p.Ala790Val; replaces alanine 790 with valine.
Molecular consequence: missense variant.
Genome position (GRCh38, 1-based): chr12:56,170,187, G>A on the plus strand (C>T on the coding strand, the complement: SMARCC2 is on the minus strand). VCF-style: chr12-56170187-G-A. GRCh37 (hg19) VCF-style: chr12-56563971-G-A.
Other names: c.2369C>T, p.Ala790Val (NM_001130420.3, NM_139067.4); c.2276C>T, p.Ala759Val (NM_003075.5); short protein forms A759V, A790V.
Identifiers: ClinVar variation 2136006 (VCV002136006.1), dbSNP rs2540872261, ClinGen allele CA385343320.

ClinVar aggregate classification (germline): Uncertain significance (1 of 4 stars; one submission).

Submission:

GeneDx
Classification: Uncertain significance. Last evaluated: 2022-07-21. Review status: criteria provided, single submitter. Criteria: GeneDx Variant Classification Process June 2021. Collection method: clinical testing. Allele origin: germline. Affected: yes.
Comment: Not observed at significant frequency in large population cohorts (gnomAD); In silico analysis supports that this missense variant does not alter protein structure/function; Has not been previously published as pathogenic or benign to our knowledge